The following is an entry in ClinVar:

NM_006245.4(PPP2R5D):c.160T>C (p.Ser54Pro)

Gene: PPP2R5D (protein phosphatase 2 regulatory subunit B'delta; plus strand). Cytogenetic location: 6p21.1.
Variant type: single nucleotide variant.
Coding change: c.160T>C on transcript NM_006245.4 (MANE Select); coding-DNA position 160, T replaced by C.
Protein change: p.Ser54Pro; replaces serine 54 with proline.
Molecular consequence: missense variant. On other transcripts: 5 prime UTR variant (1), intron variant (1).
Genome position (GRCh38, 1-based): chr6:43,006,517, T>C. VCF-style: chr6-43006517-T-C. GRCh37 (hg19) VCF-style: chr6-42974255-T-C.
Other names: c.-294T>C (NM_001270476.2); c.160T>C, p.Ser54Pro (NM_180976.3); c.28-417T>C (NM_180977.3); short protein forms S54P.
Identifiers: ClinVar variation 1034258 (VCV001034258.1), dbSNP rs1226113951, ClinGen allele CA364179059.
Genomic context (GRCh38, chr6:43,006,517, plus strand): 5'-GACCAGGCCCAGCCGCAGCCCCAGCCCCAGCCCCAGCCCCAAGCCCAGTCTCAGCCACCG[T>C]CATCCAACAAGCGTCCCAGCAATAGCACGCCGCCCCCCACGCAGCTCAGCAAAATCAAGT-3'
Protein context (NP_006236.1, residues 44-64): PQPQAQSQPP[Ser54Pro]SNKRPSNSTP

ClinVar aggregate classification (germline): Uncertain significance (1 of 4 stars; one submission).

Conditions:
Houge-Janssens syndrome 1. Also called: INTELLECTUAL DEVELOPMENTAL DISORDER, AUTOSOMAL DOMINANT 35; Intellectual disability-macrocephaly-hypotonia-behavioral abnormalities syndrome; Hogue-Janssens syndrome 1; PPP2R5D-Related Neurodevelopmental Disorder. Identifiers: Orphanet 457279, MedGen C5779996, MONDO:0014602, OMIM 616355.

Allele frequency attached by ClinVar (database versions not stated): TOPMed below 0.00001; gnomAD 0.00002 and 0.00004.
gnomAD v4.1: 3 of 1,613,790 alleles (0.00019%); highest among the groups gnomAD compares: African/African-American, 0.004%; no homozygotes.

Submission:

Baylor Genetics
Classification: Uncertain significance for Houge-Janssens syndrome 1. Last evaluated: 2018-05-25. Review status: criteria provided, single submitter. Criteria: ACMG Guidelines, 2015. Collection method: clinical testing. Allele origin: unknown. Affected: yes.
Comment: This variant was determined to be of uncertain significance according to ACMG Guidelines, 2015 [PMID:25741868].